The following is an entry in ClinVar:

NM_004415.4(DSP):c.1768T>G (p.Phe590Val)

Gene: DSP (desmoplakin; plus strand). Cytogenetic location: 6p24.3.
Variant type: single nucleotide variant.
Coding change: c.1768T>G on transcript NM_004415.4 (MANE Select); coding-DNA position 1768, T replaced by G.
Protein change: p.Phe590Val; replaces phenylalanine 590 with valine.
Molecular consequence: missense variant.
Genome position (GRCh38, 1-based): chr6:7,571,449, T>G. VCF-style: chr6-7571449-T-G. GRCh37 (hg19) VCF-style: chr6-7571682-T-G.
Other names: c.1768T>G, p.Phe590Val (NM_001008844.3, NM_001319034.2); short protein forms F590V.
Identifiers: ClinVar variation 5016685 (VCV005016685.1).

ClinVar aggregate classification (germline): Likely pathogenic (1 of 4 stars; one submission).

Submission:

GeneDx
Classification: Likely pathogenic. Last evaluated: 2026-03-24. Review status: criteria provided, single submitter. Criteria: GeneDx Variant Classification Process June 2021. Collection method: clinical testing. Allele origin: germline.
Comment: Not observed at significant frequency in large population cohorts (gnomAD); In silico analysis supports that this missense variant has a deleterious effect on protein structure/function; This variant is associated with the following publications: (PMID: 41088746)